The following is an entry in ClinVar:

ClinVar aggregate classification (germline): Uncertain significance (1 of 4 stars; one submission).

Conditions:
Pontocerebellar hypoplasia type 1A (PCH1A). Also called: PONTOCEREBELLAR HYPOPLASIA WITH ANTERIOR HORN CELL DISEASE; PONTOCEREBELLAR HYPOPLASIA WITH INFANTILE SPINAL MUSCULAR ATROPHY. Identifiers: Orphanet 2254, Orphanet 88616, MedGen C1843504, MONDO:0011866, OMIM 607596.

Allele frequency attached by ClinVar (database versions not stated): gnomAD exomes below 0.00001; ExAC 0.00001.
gnomAD v4.1: 3 of 1,613,896 alleles (0.00019%); highest among the groups gnomAD compares: Non-Finnish European, 0.00017%; no homozygotes.

Submission:

Labcorp Genetics (formerly Invitae), Labcorp
Classification: Uncertain significance for Pontocerebellar hypoplasia type 1A. Last evaluated: 2021-09-01. Review status: criteria provided, single submitter. Criteria: Invitae Variant Classification Sherloc (09022015). Collection method: clinical testing. Allele origin: germline.
Comment: This sequence change replaces leucine with phenylalanine at codon 195 of the VRK1 protein (p.Leu195Phe). The leucine residue is highly conserved and there is a small physicochemical difference between leucine and phenylalanine. This variant is present in population databases (rs748878251, ExAC 0.001%). This variant has not been reported in the literature in individuals affected with VRK1-related conditions. Algorithms developed to predict the effect of missense changes on protein structure and function are either unavailable or do not agree on the potential impact of this missense change (SIFT: "Deleterious"; PolyPhen-2: "Probably Damaging"; Align-GVGD: "Class C15"). In summary, the available evidence is currently insufficient to determine the role of this variant in disease. Therefore, it has been classified as a Variant of Uncertain Significance.

NM_003384.3(VRK1):c.585G>C (p.Leu195Phe)

Gene: VRK1 (VRK serine/threonine kinase 1; plus strand). Cytogenetic location: 14q32.2.
Variant type: single nucleotide variant.
Coding change: c.585G>C on transcript NM_003384.3 (MANE Select); coding-DNA position 585, G replaced by C.
Protein change: p.Leu195Phe; replaces leucine 195 with phenylalanine.
Molecular consequence: missense variant.
Genome position (GRCh38, 1-based): chr14:96,855,232, G>C. VCF-style: chr14-96855232-G-C. GRCh37 (hg19) VCF-style: chr14-97321569-G-C.
Other names: short protein forms L195F.
Identifiers: ClinVar variation 533534 (VCV000533534.7), dbSNP rs748878251, ClinGen allele CA7339030.
Genomic context (GRCh38, chr14:96,855,232, plus strand): 5'-ATATGTGCAGTGATTTTGACTTTAGTTTGTCTTGGTGCTTGGAAATTTATAGGTGTACTT[G>C]GTAGATTATGGCCTTGCTTATCGGTACTGCCCAGAAGGAGTTCATAAAGAATACAAAGAA-3'
Protein context (NP_003375.1, residues 185-205): LNYKNPDQVY[Leu195Phe]VDYGLAYRYC